The following is an entry in ClinVar:

NM_004655.4(AXIN2):c.946G>T (p.Asp316Tyr)

Gene: AXIN2 (axin 2; minus strand). Cytogenetic location: 17q24.1.
Variant type: single nucleotide variant.
Coding change: c.946G>T on transcript NM_004655.4 (MANE Select); coding-DNA position 946, G replaced by T.
Protein change: p.Asp316Tyr; replaces aspartic acid 316 with tyrosine.
Molecular consequence: missense variant.
Genome position (GRCh38, 1-based): chr17:65,549,530, C>A on the plus strand (G>T on the coding strand, the complement: AXIN2 is on the minus strand). VCF-style: chr17-65549530-C-A. GRCh37 (hg19) VCF-style: chr17-63545648-C-A.
Other names: c.946G>T, p.Asp316Tyr (NM_001363813.1); short protein forms D316Y.
Identifiers: ClinVar variation 4188199 (VCV004188199.1).

ClinVar aggregate classification (germline): Uncertain significance (1 of 4 stars; one submission).

Conditions:
Hereditary cancer-predisposing syndrome. Also called: Neoplastic Syndromes, Hereditary; Tumor predisposition; Hereditary Cancer Syndrome; Hereditary neoplastic syndrome. Identifiers: Orphanet 140162, MedGen C0027672, MeSH D009386, MONDO:0015356.

Submission:

Ambry Genetics
Classification: Uncertain significance for Hereditary cancer-predisposing syndrome. Last evaluated: 2025-07-05. Review status: criteria provided, single submitter. Criteria: Ambry Variant Classification Scheme 2023. Collection method: clinical testing. Allele origin: germline.
Comment: The p.D316Y variant (also known as c.946G>T), located in coding exon 2 of the AXIN2 gene, results from a G to T substitution at nucleotide position 946. The aspartic acid at codon 316 is replaced by tyrosine, an amino acid with highly dissimilar properties. This amino acid position is conserved. In addition, this alteration is predicted to be deleterious by in silico analysis. Based on the available evidence, the clinical significance of this variant remains unclear.